The following is an entry in ClinVar:

ClinVar aggregate classification (germline): Uncertain significance. Review status: criteria provided, multiple submitters, no conflicts (2 of 4 stars). 3 submissions from 3 submitters: Uncertain significance (3). Last evaluated 2023-08-04.

Allele frequency attached by ClinVar (database versions not stated): 1000 Genomes Project 30x 0.00047; gnomAD exomes 0.00005 and 0.00003; TOPMed 0.00007; 1000 Genomes Project 0.00040; ExAC 0.00006; gnomAD 0.00009 and 0.00010.
gnomAD v4.1: 65 of 1,612,456 alleles (0.004%); highest among the groups gnomAD compares: African/African-American, 0.019%; no homozygotes.

Submissions (3):

Labcorp Genetics (formerly Invitae), Labcorp
Classification: Uncertain significance. Last evaluated: 2023-08-04. Review status: criteria provided, single submitter. Criteria: Invitae Variant Classification Sherloc (09022015). Collection method: clinical testing. Allele origin: germline.
Comment: This sequence change replaces glycine, which is neutral and non-polar, with serine, which is neutral and polar, at codon 266 of the NUP62 protein (p.Gly266Ser). This variant is present in population databases (rs200690516, gnomAD 0.02%). This variant has not been reported in the literature in individuals affected with NUP62-related conditions. ClinVar contains an entry for this variant (Variation ID: 928829). Algorithms developed to predict the effect of missense changes on protein structure and function output the following: SIFT: "Not Available"; PolyPhen-2: "Benign"; Align-GVGD: "Not Available". The serine amino acid residue is found in multiple mammalian species, which suggests that this missense change does not adversely affect protein function. In summary, the available evidence is currently insufficient to determine the role of this variant in disease. Therefore, it has been classified as a Variant of Uncertain Significance.

Ambry Genetics
Classification: Uncertain significance. Last evaluated: 2021-08-09. Review status: criteria provided, single submitter. Criteria: Ambry Variant Classification Scheme 2023. Collection method: clinical testing. Allele origin: germline.

Women's Health and Genetics/Laboratory Corporation of America, LabCorp
Classification: Uncertain significance. Last evaluated: 2019-10-24. Review status: criteria provided, single submitter. Criteria: LabCorp Variant Classification Summary - May 2015. Collection method: clinical testing. Allele origin: germline.
Comment: Variant summary: NUP62 c.796G>A (p.Gly266Ser) results in a non-conservative amino acid change in the encoded protein sequence. Three of four in-silico tools predict a benign effect of the variant on protein function. The variant allele was found at a frequency of 5.2e-05 in 248074 control chromosomes (gnomAD). This frequency does not allow conclusions about variant significance. To our knowledge, no occurrence of c.796G>A in individuals affected with Striatonigral degeneration (infantile) and no experimental evidence demonstrating its impact on protein function have been reported. No clinical diagnostic laboratories have submitted clinical-significance assessments for this variant to ClinVar after 2014. Based on the evidence outlined above, the variant was classified as uncertain significance.

NM_016553.5(NUP62):c.796G>A (p.Gly266Ser)

Genes: NUP62 (nucleoporin 62; minus strand), IL4I1 (interleukin 4 induced 1; minus strand). Cytogenetic location: 19q13.33.
Variant type: single nucleotide variant.
Coding change: c.796G>A on transcript NM_016553.5 (MANE Select); coding-DNA position 796, G replaced by A.
Protein change: p.Gly266Ser; replaces glycine 266 with serine.
Molecular consequence: missense variant. On other transcripts: intron variant (3).
Genome position (GRCh38, 1-based): chr19:49,909,012, C>T on the plus strand (G>A on the coding strand, the complement: NUP62 is on the minus strand). VCF-style: chr19-49909012-C-T. GRCh37 (hg19) VCF-style: chr19-50412269-C-T.
Other names: c.796G>A, p.Gly266Ser (NM_001193357.2, NM_012346.5, NM_153718.4 and 1 more transcripts); c.-227-4691G>A (NM_001258017.2, NM_172374.3); c.-285-4691G>A (NM_001258018.2); short protein forms G266S.
Identifiers: ClinVar variation 928829 (VCV000928829.8), dbSNP rs200690516, ClinGen allele CA9589047.